The following is an entry in ClinVar:

NM_002541.4(OGDH):c.3055_3056dup (p.Lys1020fs)

Gene: OGDH (oxoglutarate dehydrogenase; plus strand). Cytogenetic location: 7p13.
Variant type: Duplication.
Coding change: c.3055_3056dup on transcript NM_002541.4 (MANE Select); coding-DNA positions 3055 to 3056, 2 bases duplicated (TT; older notation c.3055_3056dupTT).
Protein change: p.Lys1020fs; shifts the reading frame from lysine 1020.
Molecular consequence: frameshift variant.
Genome position (GRCh38, 1-based): chr7:44,707,982-44,707,983, TT duplicated. VCF-style (leftmost placement, unchanged base first): chr7-44707981-C-CTT. GRCh37 (hg19) VCF-style: chr7-44747580-C-CTT.
Other names: c.3055_3056dupTT (NM_002541.4); c.3043_3044dup, p.Lys1016fs (NM_001165036.2, NM_001439009.1); c.3088_3089dup, p.Lys1031fs (NM_001363523.2); c.3100_3101dup, p.Lys1035fs (NM_001439007.1); c.3055_3056dup, p.Lys1020fs (NM_001439008.1); short protein forms K1016fs, K1020fs, K1031fs, K1035fs.
Identifiers: ClinVar variation 4526802 (VCV004526802.1).
Genomic context (GRCh38, chr7:44,707,981, plus strand): 5'-CAAGAAGACCCACCTGACGGAGCTGCAGCGCCTCCTGGACACGGCCTTCGACCTGGACGT[C>CTT]TTCAAGAACTTCTCGTAGATGCTGCCTAGGGTTGCTTGGGCCACTGCCCTCTCCACACCC-3'

ClinVar aggregate classification (germline): Uncertain significance (1 of 4 stars; one submission).

Conditions:
Oxoglutaricaciduria. Identifiers: Orphanet 31, MedGen C2752074, MONDO:0008759, OMIM 203740.

Submission:

Rare Kidney Stone Consortium and the Mayo Clinic Hyperoxaluria Center, Mayo Clinic
Classification: Uncertain significance for Oxoglutaricaciduria. Last evaluated: 2025-10-03. Review status: criteria provided, single submitter. Criteria: ACMG Guidelines, 2015. Collection method: research. Allele origin: germline. Observed: 1 variant allele.
Comment: ACMG:PVS1,PM2

Literature cited by the submitters: PubMed 40794449.